The following is an entry in ClinVar:

NM_000199.5(SGSH):c.915G>A (p.Trp305Ter)

Gene: SGSH (N-sulfoglucosamine sulfohydrolase; minus strand). Cytogenetic location: 17q25.3.
Variant type: single nucleotide variant.
Coding change: c.915G>A on transcript NM_000199.5 (MANE Select); coding-DNA position 915, G replaced by A.
Protein change: p.Trp305Ter; replaces tryptophan 305 with a stop codon.
Molecular consequence: nonsense. On other transcripts: non-coding transcript variant (1).
Genome position (GRCh38, 1-based): chr17:80,212,105, C>T on the plus strand (G>A on the coding strand, the complement: SGSH is on the minus strand). VCF-style: chr17-80212105-C-T. GRCh37 (hg19) VCF-style: chr17-78185904-C-T.
Other names: c.915G>A, p.Trp305Ter (NM_001352921.3, NM_001352922.2); short protein forms W305*.
Identifiers: ClinVar variation 2011911 (VCV002011911.4), dbSNP rs1598742418, ClinGen allele CA401359676.
Genomic context (GRCh38, chr17:80,212,105, plus strand): 5'-CCTGACGGAGACAGACAAAGGCATACCTAGGAGGCTCACGTAGGCCTCGCTGACTTGGCC[C>T]CAGCGTTTTGGGTGCTCCGGGGATGACACCAGTAAGGGTTCAGCAGTGCCCGGCCAGTAC-3'

ClinVar aggregate classification (germline): Pathogenic (1 of 4 stars; one submission).

Conditions:
Mucopolysaccharidosis, MPS-III-A (MPS3A). Also called: HEPARAN SULFATE SULFATASE DEFICIENCY; SANFILIPPO SYNDROME A; SULFAMIDASE DEFICIENCY; MPS III A; Mucopolysaccharidosis type IIIA (Sanfilippo A); Mucopolysaccharidosis, type IIIA. Identifiers: Orphanet 581, Orphanet 79269, MedGen C0086647, MONDO:0009655, OMIM 252900.

Allele frequency attached by ClinVar (database versions not stated): gnomAD exomes below 0.00001.
gnomAD v4.1: 1 of 1,613,656 alleles (0.000062%); highest among the groups gnomAD compares: Non-Finnish European, 0.000085%; no homozygotes.

Submission:

Labcorp Genetics (formerly Invitae), Labcorp
Classification: Pathogenic for Mucopolysaccharidosis, MPS-III-A. Last evaluated: 2022-06-28. Review status: criteria provided, single submitter. Criteria: Invitae Variant Classification Sherloc (09022015). Collection method: clinical testing. Allele origin: germline.
Comment: This variant has not been reported in the literature in individuals affected with SGSH-related conditions. For these reasons, this variant has been classified as Pathogenic. This variant disrupts a region of the SGSH protein in which other variant(s) (p.Trp479*) have been determined to be pathogenic (PMID: 21204211). This suggests that this is a clinically significant region of the protein, and that variants that disrupt it are likely to be disease-causing. This variant is not present in population databases (gnomAD no frequency). This sequence change creates a premature translational stop signal (p.Trp305*) in the SGSH gene. While this is not anticipated to result in nonsense mediated decay, it is expected to disrupt the last 198 amino acid(s) of the SGSH protein.

Literature cited by the submitters: PubMed 21204211.